The following is an entry in ClinVar:

ClinVar aggregate classification (germline): Uncertain significance (1 of 4 stars; one submission).

Conditions:
Inborn genetic diseases. Identifiers: MedGen C0950123, MeSH D030342.

Submission:

Ambry Genetics
Classification: Uncertain significance for Inborn genetic diseases. Last evaluated: 2026-03-30. Review status: criteria provided, single submitter. Criteria: Ambry Variant Classification Scheme 2023. Collection method: clinical testing. Allele origin: germline.
Comment: The p.D171G variant (also known as c.512A>G), located in coding exon 4 of the HAX1 gene, results from an A to G substitution at nucleotide position 512. The aspartic acid at codon 171 is replaced by glycine, an amino acid with similar properties. This amino acid position is conserved. In addition, the in silico prediction for this alteration is inconclusive. Based on the available evidence, the clinical significance of this variant remains unclear.

NM_006118.4(HAX1):c.512A>G (p.Asp171Gly)

Gene: HAX1 (HCLS1 associated protein X-1; plus strand). Cytogenetic location: 1q21.3.
Variant type: single nucleotide variant.
Coding change: c.512A>G on transcript NM_006118.4 (MANE Select); coding-DNA position 512, A replaced by G.
Protein change: p.Asp171Gly; replaces aspartic acid 171 with glycine.
Molecular consequence: missense variant.
Genome position (GRCh38, 1-based): chr1:154,274,957, A>G. VCF-style: chr1-154274957-A-G. GRCh37 (hg19) VCF-style: chr1-154247433-A-G.
Other names: c.368A>G, p.Asp123Gly (NM_001018837.2); short protein forms D123G, D171G.
Identifiers: ClinVar variation 4858262 (VCV004858262.1).